The following is an entry in ClinVar:

ClinVar aggregate classification (germline): Uncertain significance. Review status: criteria provided, multiple submitters, no conflicts (2 of 4 stars). 2 submissions from 2 submitters: Uncertain significance (2). Last evaluated 2025-10-22.

Conditions:
Inborn genetic diseases. Identifiers: MedGen C0950123, MeSH D030342.

gnomAD v4.1: 4 of 1,606,882 alleles (0.00025%); highest among the groups gnomAD compares: Non-Finnish European, 0.00025%; no homozygotes.

Submissions (2):

Ambry Genetics
Classification: Uncertain significance for Inborn genetic diseases. Last evaluated: 2025-10-22. Review status: criteria provided, single submitter. Criteria: Ambry Variant Classification Scheme 2023. Collection method: clinical testing. Allele origin: germline.

Labcorp Genetics (formerly Invitae), Labcorp
Classification: Uncertain significance. Last evaluated: 2025-04-14. Review status: criteria provided, single submitter. Criteria: Invitae Variant Classification Sherloc (09022015). Collection method: clinical testing. Allele origin: germline.
Comment: This sequence change replaces leucine, which is neutral and non-polar, with valine, which is neutral and non-polar, at codon 268 of the NAA15 protein (p.Leu268Val). This variant is not present in population databases (gnomAD no frequency). This variant has not been reported in the literature in individuals affected with NAA15-related conditions. ClinVar contains an entry for this variant (Variation ID: 3718155). An algorithm developed to predict the effect of missense changes on protein structure and function (PolyPhen-2) suggests that this variant is likely to be tolerated. In summary, the available evidence is currently insufficient to determine the role of this variant in disease. Therefore, it has been classified as a Variant of Uncertain Significance.

NM_057175.5(NAA15):c.802C>G (p.Leu268Val)

Gene: NAA15 (N-alpha-acetyltransferase 15, NatA auxiliary subunit; plus strand). Cytogenetic location: 4q31.1.
Variant type: single nucleotide variant.
Coding change: c.802C>G on transcript NM_057175.5 (MANE Select); coding-DNA position 802, C replaced by G.
Protein change: p.Leu268Val; replaces leucine 268 with valine.
Molecular consequence: missense variant.
Genome position (GRCh38, 1-based): chr4:139,349,572, C>G. VCF-style: chr4-139349572-C-G. GRCh37 (hg19) VCF-style: chr4-140270726-C-G.
Other names: c.802C>G, p.Leu268Val (NM_001410842.1); c.802C>G (NM_057175.3); short protein forms L268V.
Identifiers: ClinVar variation 3718155 (VCV003718155.3).